The following is an entry in ClinVar:

NM_006912.6(RIT1):c.29G>C (p.Ser10Thr)

Gene: RIT1 (Ras like without CAAX 1; minus strand). Cytogenetic location: 1q22.
Variant type: single nucleotide variant.
Coding change: c.29G>C on transcript NM_006912.6 (MANE Select); coding-DNA position 29, G replaced by C.
Protein change: p.Ser10Thr; replaces serine 10 with threonine.
Molecular consequence: missense variant. On other transcripts: intron variant (1).
Genome position (GRCh38, 1-based): chr1:155,910,733, C>G on the plus strand (G>C on the coding strand, the complement: RIT1 is on the minus strand). VCF-style: chr1-155910733-C-G. GRCh37 (hg19) VCF-style: chr1-155880524-C-G.
Other names: c.80G>C, p.Ser27Thr (NM_001256821.2); c.-2-227G>C (NM_001256820.2); short protein forms S10T, S27T.
Identifiers: ClinVar variation 2988960 (VCV002988960.3), dbSNP rs1673577896, ClinGen allele CA342776485.
Genomic context (GRCh38, chr1:155,910,733, plus strand): 5'-CCAGCACCCAGCATCACTAGTTTGTACTCCCGTGAGAGCCCAGCGGGGCTGCTACAGCAG[C>G]TACCAACTGGGCGAGTTCCAGAATCCATTGTCCTCTTGGGGCCTTCCTCGGTTGCCCCGA-3'
Protein context (NP_008843.1, residues 1-20): MDSGTRPVG[Ser10Thr]CCSSPAGLSR

ClinVar aggregate classification (germline): Uncertain significance (1 of 4 stars; one submission).

Conditions:
Noonan syndrome 8 (NS8). Identifiers: Orphanet 648, MedGen C3809233, MONDO:0014143, OMIM 615355.

Submission:

Labcorp Genetics (formerly Invitae), Labcorp
Classification: Uncertain significance for Noonan syndrome 8. Last evaluated: 2023-06-27. Review status: criteria provided, single submitter. Criteria: Invitae Variant Classification Sherloc (09022015). Collection method: clinical testing. Allele origin: germline.
Comment: This sequence change replaces serine, which is neutral and polar, with threonine, which is neutral and polar, at codon 10 of the RIT1 protein (p.Ser10Thr). This variant is not present in population databases (gnomAD no frequency). This variant has not been reported in the literature in individuals affected with RIT1-related conditions. Advanced modeling of protein sequence and biophysical properties (such as structural, functional, and spatial information, amino acid conservation, physicochemical variation, residue mobility, and thermodynamic stability) performed at Invitae indicates that this missense variant is not expected to disrupt RIT1 protein function. In summary, the available evidence is currently insufficient to determine the role of this variant in disease. Therefore, it has been classified as a Variant of Uncertain Significance.